The following is an entry in ClinVar:

NM_001042492.3(NF1):c.820_823dup (p.Ile275fs)

Gene: NF1 (neurofibromin 1; plus strand). Cytogenetic location: 17q11.2.
Variant type: Duplication.
Coding change: c.820_823dup on transcript NM_001042492.3 (MANE Select); coding-DNA positions 820 to 823, 4 bases duplicated (CTTA; older notation c.820_823dupCTTA).
Protein change: p.Ile275fs; shifts the reading frame from isoleucine 275.
Molecular consequence: frameshift variant.
Genome position (GRCh38, 1-based): chr17:31,182,597-31,182,600, CTTA duplicated. VCF-style (leftmost placement, unchanged base first): chr17-31182596-C-CCTTA. GRCh37 (hg19) VCF-style: chr17-29509614-C-CCTTA.
Other names: c.820_823dup, p.Ile275Thrfs (NM_000267.4); c.820_823dup, p.Ile275fs (NM_001128147.3); c.820_823dupCTTA (NM_000267.3); short protein forms I275fs.
Identifiers: ClinVar variation 948604 (VCV000948604.7), dbSNP rs2066157933, ClinGen allele CA1139665360.

ClinVar aggregate classification (germline): Pathogenic. Review status: criteria provided, multiple submitters, no conflicts (2 of 4 stars). 2 submissions from 2 submitters: Pathogenic (2). Last evaluated 2024-11-19.

Conditions:
Neurofibromatosis, type 1 (NF1). Also called: Peripheral type neurofibromatosis; Neurofibromatosis, type I; VON RECKLINGHAUSEN DISEASE; NEUROFIBROMATOSIS, TYPE I, SOMATIC. Identifiers: Orphanet 636, MedGen C0027831, MONDO:0018975, OMIM 162200. Disease mechanism: loss of function.

Submissions (2):

Women's Health and Genetics/Laboratory Corporation of America, LabCorp
Classification: Pathogenic for Neurofibromatosis, type 1. Last evaluated: 2024-11-19. Review status: criteria provided, single submitter. Criteria: LabCorp Variant Classification Summary - May 2015. Collection method: clinical testing. Allele origin: germline.
Comment: Variant summary: NF1 c.820_823dupCTTA (p.Ile275ThrfsX17) results in a premature termination codon, predicted to cause a truncation of the encoded protein or absence of the protein due to nonsense mediated decay, which are commonly known mechanisms for disease. The variant was absent in 251186 control chromosomes. To our knowledge, no occurrence of c.820_823dupCTTA in individuals affected with Neurofibromatosis Type 1 and no experimental evidence demonstrating its impact on protein function have been reported. ClinVar contains an entry for this variant (Variation ID: 948604). Based on the evidence outlined above, the variant was classified as pathogenic.

Labcorp Genetics (formerly Invitae), Labcorp
Classification: Pathogenic for Neurofibromatosis, type 1. Last evaluated: 2019-07-06. Review status: criteria provided, single submitter. Criteria: Invitae Variant Classification Sherloc (09022015). Collection method: clinical testing. Allele origin: germline.
Comment: This sequence change creates a premature translational stop signal (p.Ile275Thrfs*17) in the NF1 gene. It is expected to result in an absent or disrupted protein product. Loss-of-function variants in NF1 are known to be pathogenic (PMID: 10712197, 23913538). This variant has not been reported in the literature in individuals with NF1-related conditions. This variant is not present in population databases (ExAC no frequency). For these reasons, this variant has been classified as Pathogenic.

Literature cited by the submitters: PubMed 10712197 (cited by Labcorp Genetics (formerly Invitae), Labcorp); PubMed 23913538 (cited by Labcorp Genetics (formerly Invitae), Labcorp).